The following is an entry in ClinVar:

ClinVar aggregate classification (germline): Conflicting classifications of pathogenicity. Review status: criteria provided, conflicting classifications (1 of 4 stars). 5 submissions from 5 submitters: Uncertain significance (1); Likely benign (4). Last evaluated 2025-11-12.

Conditions:
Hypertrophic cardiomyopathy. Also called: HYPERTROPHIC MYOCARDIOPATHY. Identifiers: Orphanet 217569, MedGen C0007194, MeSH D002312, MONDO:0005045, HP:0001639.
Cardiomyopathy (CMYO). Also called: Cardiomyopathies. Identifiers: Orphanet 167848, MedGen C0878544, MONDO:0004994, HP:0001638. Inheritance: Various modes of inheritance.

Allele frequency attached by ClinVar (database versions not stated): gnomAD exomes 0.00001 and 0.00004; TOPMed 0.00002; gnomAD 0.00003; ESP Exome Variant Server 0.00008.

Submissions (5):

Labcorp Genetics (formerly Invitae), Labcorp
Classification: Likely benign for Hypertrophic cardiomyopathy. Last evaluated: 2025-11-12. Review status: criteria provided, single submitter. Criteria: Invitae Variant Classification Sherloc (09022015). Collection method: clinical testing. Allele origin: germline.

All of Us Research Program, National Institutes of Health
Classification: Likely benign for Hypertrophic cardiomyopathy. Last evaluated: 2023-09-09. Review status: criteria provided, single submitter. Criteria: ACMG Guidelines, 2015. Collection method: clinical testing. Allele origin: germline. Inheritance: Autosomal dominant inheritance. Observed: 8 variant alleles, 8 heterozygotes.
Comment: This study involves interpretation of variants in research participants for the purpose of population health screening. Participant phenotype was not available at the time of variant classification. Additional details can be found in publication PMID: 35346344, PMCID: PMC8962531

CHEO Genetics Diagnostic Laboratory, Children's Hospital of Eastern Ontario
Classification: Uncertain significance for Cardiomyopathy. Last evaluated: 2023-03-03. Review status: criteria provided, single submitter. Criteria: ACMG Guidelines, 2015. Collection method: clinical testing. Allele origin: germline.

GeneDx
Classification: Likely benign. Last evaluated: 2019-04-26. Review status: criteria provided, single submitter. Criteria: GeneDx Variant Classification Process June 2021. Collection method: clinical testing. Allele origin: germline. Affected: yes.
Comment: See Variant Classification Assertion Criteria.

Color Diagnostics, LLC DBA Color Health
Classification: Likely benign for Cardiomyopathy. Last evaluated: 2018-12-16. Review status: criteria provided, single submitter. Criteria: ACMG Guidelines, 2015. Collection method: clinical testing. Allele origin: germline.

NC_000011.10:g.47333340G>A

Gene: MYBPC3 (myosin binding protein C3; minus strand). Cytogenetic location: 11p11.2.
Variant type: single nucleotide variant.
Genome position: GRCh38 VCF-style: chr11-47333340-G-A. GRCh37 (hg19) VCF-style: chr11-47354891-G-A.
Other names: c.3191-7C>T (LRG_386t1, NM_000256.3).
Identifiers: ClinVar variation 304947 (VCV000304947.21), dbSNP rs373012629, ClinGen allele CA10631009.